The following is an entry in ClinVar:

ClinVar aggregate classification (germline): Uncertain significance (1 of 4 stars; one submission).

Conditions:
Hereditary cancer-predisposing syndrome. Also called: Neoplastic Syndromes, Hereditary; Hereditary neoplastic syndrome; Tumor predisposition; Hereditary Cancer Syndrome. Identifiers: Orphanet 140162, MedGen C0027672, MeSH D009386, MONDO:0015356.

Submission:

Ambry Genetics
Classification: Uncertain significance for Hereditary cancer-predisposing syndrome. Last evaluated: 2026-02-15. Review status: criteria provided, single submitter. Criteria: Ambry Variant Classification Scheme 2023. Collection method: clinical testing. Allele origin: germline.
Comment: The p.D1909E variant (also known as c.5727T>A), located in coding exon 10 of the BRCA2 gene, results from a T to A substitution at nucleotide position 5727. The aspartic acid at codon 1909 is replaced by glutamic acid, an amino acid with highly similar properties. This amino acid position is conserved. In addition, this alteration is predicted to be tolerated by in silico analysis. Based on the available evidence, the clinical significance of this variant remains unclear.

NM_000059.4(BRCA2):c.5727T>A (p.Asp1909Glu)

Gene: BRCA2 (BRCA2 DNA repair associated; plus strand). Cytogenetic location: 13q13.1.
Variant type: single nucleotide variant.
Coding change: c.5727T>A on transcript NM_000059.4 (MANE Select); coding-DNA position 5727, T replaced by A.
Protein change: p.Asp1909Glu; replaces aspartic acid 1909 with glutamic acid.
Molecular consequence: missense variant. On other transcripts: non-coding transcript variant (1), intron variant (2).
Genome position (GRCh38, 1-based): chr13:32,340,082, T>A. VCF-style: chr13-32340082-T-A. GRCh37 (hg19) VCF-style: chr13-32914219-T-A.
Other names: c.5727T>A, p.Asp1909Glu (NM_001406719.1, NM_001406720.1, NM_001432077.1); c.1910-4476T>A (NM_001406721.1); c.425-4476T>A (NM_001406722.1); short protein forms D1909E.
Identifiers: ClinVar variation 4824546 (VCV004824546.1).
Genomic context (GRCh38, chr13:32,340,082, plus strand): 5'-TATGGCAGGTTGTTACGAGGCATTGGATGATTCAGAGGATATTCTTCATAACTCTCTAGA[T>A]AATGATGAATGTAGCACGCATTCACATAAGGTTTTTGCTGACATTCAGAGTGAAGAAATT-3'
Protein context (NP_000050.3, residues 1899-1919): DSEDILHNSL[Asp1909Glu]NDECSTHSHK